The following is an entry in ClinVar:

ClinVar aggregate classification (germline): Uncertain significance (1 of 4 stars; one submission).

Conditions:
Progressive microcephaly-seizures-cortical blindness-developmental delay syndrome. Also called: Seizures, cortical blindness, and microcephaly syndrome. Identifiers: Orphanet 477814, MedGen C5567650, MONDO:0014714, OMIM 616632.
Autosomal dominant nonsyndromic hearing loss 1. Also called: KONIGSMARK SYNDROME; DEAFNESS, AUTOSOMAL DOMINANT 1, WITH OR WITHOUT THROMBOCYTOPENIA. Identifiers: Orphanet 90635, MedGen C1852282, MONDO:0007424, OMIM 124900.

Submission:

Labcorp Genetics (formerly Invitae), Labcorp
Classification: Uncertain significance for Progressive microcephaly-seizures-cortical blindness-developmental delay syndrome; Autosomal dominant nonsyndromic hearing loss 1. Last evaluated: 2026-01-18. Review status: criteria provided, single submitter. Criteria: Invitae Variant Classification Sherloc (09022015). Collection method: clinical testing. Allele origin: germline.
Comment: This sequence change replaces methionine, which is neutral and non-polar, with valine, which is neutral and non-polar, at codon 255 of the DIAPH1 protein (p.Met255Val). This variant is not present in population databases (gnomAD no frequency). This variant has not been reported in the literature in individuals affected with DIAPH1-related conditions. Experimental studies and prediction algorithms are not available or were not evaluated, and the functional significance of this variant is currently unknown. In summary, the available evidence is currently insufficient to determine the role of this variant in disease. Therefore, it has been classified as a Variant of Uncertain Significance.

NM_005219.5(DIAPH1):c.763A>G (p.Met255Val)

Gene: DIAPH1 (diaphanous related formin 1; minus strand). Cytogenetic location: 5q31.3.
Variant type: single nucleotide variant.
Coding change: c.763A>G on transcript NM_005219.5 (MANE Select); coding-DNA position 763, A replaced by G.
Protein change: p.Met255Val; replaces methionine 255 with valine.
Molecular consequence: missense variant.
Genome position (GRCh38, 1-based): chr5:141,580,805, T>C on the plus strand (A>G on the coding strand, the complement: DIAPH1 is on the minus strand). VCF-style: chr5-141580805-T-C. GRCh37 (hg19) VCF-style: chr5-140960372-T-C.
Other names: c.736A>G, p.Met246Val (NM_001079812.3); c.763A>G, p.Met255Val (NM_001314007.2); short protein forms M255V, M246V.
Identifiers: ClinVar variation 4791392 (VCV004791392.1).